The following is an entry in ClinVar:

ClinVar aggregate classification (germline): Likely benign (1 of 4 stars; one submission).

Allele frequency attached by ClinVar (database versions not stated): TOPMed below 0.00001; gnomAD 0.00001; gnomAD exomes 0.00001 and 0.00002; ExAC 0.00004.
gnomAD v4.1: 19 of 1,517,168 alleles (0.0013%); highest among the groups gnomAD compares: Admixed American, 0.0024%; no homozygotes.

Submission:

GeneDx
Classification: Likely benign. Last evaluated: 2017-07-10. Review status: criteria provided, single submitter. Criteria: GeneDx Variant Classification (06012015). Collection method: clinical testing. Allele origin: germline. Affected: yes.
Comment: This variant is considered likely benign or benign based on one or more of the following criteria: it is a conservative change, it occurs at a poorly conserved position in the protein, it is predicted to be benign by multiple in silico algorithms, and/or has population frequency not consistent with disease.

NM_001083614.2(EARS2):c.45G>A (p.Ser15=)

Genes: EARS2 (glutamyl-tRNA synthetase 2, mitochondrial; minus strand), LOC130058664 (ATAC-STARR-seq lymphoblastoid active region 10583; plus strand). Cytogenetic location: 16p12.2.
Variant type: single nucleotide variant.
Coding change: c.45G>A on transcript NM_001083614.2 (MANE Select); coding-DNA position 45, G replaced by A.
Protein change: p.Ser15=; no amino-acid change (serine 15 retained).
Molecular consequence: synonymous variant. On other transcripts: non-coding transcript variant (1).
Genome position (GRCh38, 1-based): chr16:23,557,299, C>T on the plus strand (G>A on the coding strand, the complement: EARS2 is on the minus strand). VCF-style: chr16-23557299-C-T. GRCh37 (hg19) VCF-style: chr16-23568620-C-T.
Other names: c.45G>A, p.Ser15= (NM_001308211.1).
Identifiers: ClinVar variation 518143 (VCV000518143.1), dbSNP rs766538301, ClinGen allele CA7962761.